The following is an entry in ClinVar:

NM_022552.5(DNMT3A):c.1895A>G (p.Lys632Arg)

Gene: DNMT3A (DNA methyltransferase 3 alpha; minus strand). Cytogenetic location: 2p23.3.
Variant type: single nucleotide variant.
Coding change: c.1895A>G on transcript NM_022552.5 (MANE Select); coding-DNA position 1895, A replaced by G.
Protein change: p.Lys632Arg; replaces lysine 632 with arginine.
Molecular consequence: missense variant. On other transcripts: non-coding transcript variant (1).
Genome position (GRCh38, 1-based): chr2:25,243,939, T>C on the plus strand (A>G on the coding strand, the complement: DNMT3A is on the minus strand). VCF-style: chr2-25243939-T-C. GRCh37 (hg19) VCF-style: chr2-25466808-T-C.
Other names: c.1439A>G, p.Lys480Arg (NM_001320893.1); c.1226A>G, p.Lys409Arg (NM_001375819.1); c.1328A>G, p.Lys443Arg (NM_153759.3); c.1895A>G, p.Lys632Arg (NM_175629.2); c.1895A>G (NM_022552.3); short protein forms K443R, K480R, K632R, K409R.
Identifiers: ClinVar variation 1463629 (VCV001463629.7), dbSNP rs2149287247, ClinGen allele CA346071533.

ClinVar aggregate classification (germline): Uncertain significance. Review status: criteria provided, multiple submitters, no conflicts (2 of 4 stars). 2 submissions from 2 submitters: Uncertain significance (2). Last evaluated 2025-05-19.

Conditions:
Tatton-Brown-Rahman overgrowth syndrome. Also called: Tall stature-intellectual disability-facial dysmorphism syndrome; Tatton-Brown-Rahman syndrome. Identifiers: Orphanet 404443, MedGen C4014545, MONDO:0014382, OMIM 615879.
Inborn genetic diseases. Identifiers: MedGen C0950123, MeSH D030342.

Submissions (2):

Ambry Genetics
Classification: Uncertain significance for Inborn genetic diseases. Last evaluated: 2025-05-19. Review status: criteria provided, single submitter. Criteria: Ambry Variant Classification Scheme 2023. Collection method: clinical testing. Allele origin: germline.
Comment: The p.K632R variant (also known as c.1895A>G), located in coding exon 15 of the DNMT3A gene, results from an A to G substitution at nucleotide position 1895. The lysine at codon 632 is replaced by arginine, an amino acid with highly similar properties. This amino acid position is conserved. In addition, this alteration is predicted to be tolerated by in silico analysis. Based on the available evidence, the clinical significance of this variant remains unclear.

Labcorp Genetics (formerly Invitae), Labcorp
Classification: Uncertain significance for Tatton-Brown-Rahman overgrowth syndrome. Last evaluated: 2021-11-24. Review status: criteria provided, single submitter. Criteria: Invitae Variant Classification Sherloc (09022015). Collection method: clinical testing. Allele origin: germline.
Comment: This sequence change replaces lysine, which is basic and polar, with arginine, which is basic and polar, at codon 632 of the DNMT3A protein (p.Lys632Arg). This variant is not present in population databases (gnomAD no frequency). This variant has not been reported in the literature in individuals affected with DNMT3A-related conditions. Algorithms developed to predict the effect of missense changes on protein structure and function (SIFT, PolyPhen-2, Align-GVGD) all suggest that this variant is likely to be tolerated. In summary, the available evidence is currently insufficient to determine the role of this variant in disease. Therefore, it has been classified as a Variant of Uncertain Significance.